The following is an entry in ClinVar:

ClinVar aggregate classification (germline): Uncertain significance (1 of 4 stars; one submission).

Conditions:
Inborn genetic diseases. Identifiers: MedGen C0950123, MeSH D030342.

Submission:

Ambry Genetics
Classification: Uncertain significance for Inborn genetic diseases. Last evaluated: 2026-03-20. Review status: criteria provided, single submitter. Criteria: Ambry Variant Classification Scheme 2023. Collection method: clinical testing. Allele origin: germline.
Comment: The p.S630L variant (also known as c.1889C>T), located in coding exon 1 of the SAMD9L gene, results from a C to T substitution at nucleotide position 1889. The serine at codon 630 is replaced by leucine, an amino acid with dissimilar properties. This amino acid position is conserved. In addition, this alteration is predicted to be tolerated by in silico analysis. Based on the available evidence, the clinical significance of this variant remains unclear.

NM_152703.5(SAMD9L):c.1889C>T (p.Ser630Leu)

Gene: SAMD9L (sterile alpha motif domain containing 9 like; minus strand). Cytogenetic location: 7q21.2.
Variant type: single nucleotide variant.
Coding change: c.1889C>T on transcript NM_152703.5 (MANE Select); coding-DNA position 1889, C replaced by T.
Protein change: p.Ser630Leu; replaces serine 630 with leucine.
Molecular consequence: missense variant.
Genome position (GRCh38, 1-based): chr7:93,134,083, G>A on the plus strand (C>T on the coding strand, the complement: SAMD9L is on the minus strand). VCF-style: chr7-93134083-G-A. GRCh37 (hg19) VCF-style: chr7-92763396-G-A.
Other names: c.1889C>T, p.Ser630Leu (NM_001303496.3, NM_001303497.3, NM_001303498.3 and 5 more transcripts); short protein forms S630L.
Identifiers: ClinVar variation 4863902 (VCV004863902.1).